The following is an entry in ClinVar:

ClinVar aggregate classification (germline): Uncertain significance (1 of 4 stars; one submission).

Submission:

Labcorp Genetics (formerly Invitae), Labcorp
Classification: Uncertain significance. Last evaluated: 2024-10-18. Review status: criteria provided, single submitter. Criteria: Invitae Variant Classification Sherloc (09022015). Collection method: clinical testing. Allele origin: germline.
Comment: This sequence change replaces alanine, which is neutral and non-polar, with glycine, which is neutral and non-polar, at codon 1517 of the ARID1A protein (p.Ala1517Gly). This variant is present in population databases (rs754673704, gnomAD 0.0009%). This variant has not been reported in the literature in individuals affected with ARID1A-related conditions. Invitae Evidence Modeling of protein sequence and biophysical properties (such as structural, functional, and spatial information, amino acid conservation, physicochemical variation, residue mobility, and thermodynamic stability) indicates that this missense variant is not expected to disrupt ARID1A protein function with a negative predictive value of 80%. In summary, the available evidence is currently insufficient to determine the role of this variant in disease. Therefore, it has been classified as a Variant of Uncertain Significance.

NM_006015.6(ARID1A):c.4550C>G (p.Ala1517Gly)

Gene: ARID1A (AT-rich interaction domain 1A; plus strand). Cytogenetic location: 1p36.11.
Variant type: single nucleotide variant.
Coding change: c.4550C>G on transcript NM_006015.6 (MANE Select); coding-DNA position 4550, C replaced by G.
Protein change: p.Ala1517Gly; replaces alanine 1517 with glycine.
Molecular consequence: missense variant. On other transcripts: intron variant (1).
Genome position (GRCh38, 1-based): chr1:26,774,777, C>G. VCF-style: chr1-26774777-C-G. GRCh37 (hg19) VCF-style: chr1-27101268-C-G.
Other names: c.4102-203C>G (NM_139135.4); short protein forms A1517G.
Identifiers: ClinVar variation 3708687 (VCV003708687.2).
Genomic context (GRCh38, chr1:26,774,777, plus strand): 5'-TGTGGCAGGGGCGTAATGACATGACCTATAATTATGCCAACAGGCAGAGCACGGGCTCTG[C>G]CCCCCAGGGCCCCGCCTATCATGGCGTGAACCGAACAGATGAAATGCTGCACACAGATCA-3'
Protein context (NP_006006.3, residues 1507-1527): NYANRQSTGS[Ala1517Gly]PQGPAYHGVN